The following is an entry in ClinVar:

ClinVar aggregate classification (germline): Uncertain significance (1 of 4 stars; one submission).

Submission:

Ambry Genetics
Classification: Uncertain significance. Last evaluated: 2021-08-14. Review status: criteria provided, single submitter. Criteria: Ambry Variant Classification Scheme 2023. Collection method: clinical testing. Allele origin: germline.
Comment: The p.Q423R variant (also known as c.1268A>G), located in coding exon 1 of the MLH3 gene, results from an A to G substitution at nucleotide position 1268. The glutamine at codon 423 is replaced by arginine, an amino acid with highly similar properties. This amino acid position is conserved. In addition, this alteration is predicted to be tolerated by in silico analysis. Since supporting evidence is limited at this time, the clinical significance of this alteration remains unclear.

NM_001040108.2(MLH3):c.1268A>G (p.Gln423Arg)

Gene: MLH3 (mutL homolog 3; minus strand). Cytogenetic location: 14q24.3.
Variant type: single nucleotide variant.
Coding change: c.1268A>G on transcript NM_001040108.2 (MANE Select); coding-DNA position 1268, A replaced by G.
Protein change: p.Gln423Arg; replaces glutamine 423 with arginine.
Molecular consequence: missense variant.
Genome position (GRCh38, 1-based): chr14:75,048,388, T>C on the plus strand (A>G on the coding strand, the complement: MLH3 is on the minus strand). VCF-style: chr14-75048388-T-C. GRCh37 (hg19) VCF-style: chr14-75515091-T-C.
Other names: c.1268A>G, p.Gln423Arg (NM_014381.3); short protein forms Q423R.
Identifiers: ClinVar variation 1764540 (VCV001764540.2), dbSNP rs2503299828, ClinGen allele CA390446734.